The following is an entry in ClinVar:

NM_020738.4(KIDINS220):c.4787A>G (p.Asn1596Ser)

Gene: KIDINS220 (kinase D interacting substrate 220; minus strand). Cytogenetic location: 2p25.1.
Variant type: single nucleotide variant.
Coding change: c.4787A>G on transcript NM_020738.4 (MANE Select); coding-DNA position 4787, A replaced by G.
Protein change: p.Asn1596Ser; replaces asparagine 1596 with serine.
Molecular consequence: missense variant. On other transcripts: intron variant (6).
Genome position (GRCh38, 1-based): chr2:8,731,249, T>C on the plus strand (A>G on the coding strand, the complement: KIDINS220 is on the minus strand). VCF-style: chr2-8731249-T-C. GRCh37 (hg19) VCF-style: chr2-8871379-T-C.
Other names: c.4790A>G, p.Asn1597Ser (NM_001348729.2); c.4733A>G, p.Asn1578Ser (NM_001348731.2); c.4730A>G, p.Asn1577Ser (NM_001348732.2); c.4619A>G, p.Asn1540Ser (NM_001348734.2); c.4616A>G, p.Asn1539Ser (NM_001348735.2); c.4490A>G, p.Asn1497Ser (NM_001348736.2); c.3882+2195A>G (NM_001348741.2, NM_001348742.2, NM_001348743.2); c.3996+2195A>G (NM_001348738.2); and 1 more; short protein forms N1497S, N1539S, N1540S, N1577S, N1578S, N1596S, N1597S.
Identifiers: ClinVar variation 1683706 (VCV001683706.5), dbSNP rs2147943225, ClinGen allele CA345762827.
Genomic context (GRCh38, chr2:8,731,249, plus strand): 5'-TCTATGAGATTTGCCTTTTCAAGCTGGGAGTCATCCGCCACTTCATTGTGCAGAGAGTGA[T>C]TGGGAGAACTTTCACTGGATCTCACTCCTGAATCCGATGAATCCTTTTTGTCAAGGAGCG-3'
Protein context (NP_065789.1, residues 1586-1606): SGVRSSESSP[Asn1596Ser]HSLHNEVADD

ClinVar aggregate classification (germline): Uncertain significance. Review status: criteria provided, multiple submitters, no conflicts (2 of 4 stars). 2 submissions from 2 submitters: Uncertain significance (2). Last evaluated 2024-10-17.

Conditions:
Spastic paraplegia, intellectual disability, nystagmus, and obesity. Also called: Spastic paraplegia, intellectual disability, nystagmus, and obesity;. Identifiers: Orphanet 521390, MedGen C4284592, MONDO:0015007, OMIM 617296.

gnomAD v4.1: 6 of 1,614,118 alleles (0.00037%); highest among the groups gnomAD compares: Middle Eastern, 0.016%; no homozygotes.

Submissions (2):

Labcorp Genetics (formerly Invitae), Labcorp
Classification: Uncertain significance. Last evaluated: 2024-10-17. Review status: criteria provided, single submitter. Criteria: Invitae Variant Classification Sherloc (09022015). Collection method: clinical testing. Allele origin: germline.
Comment: This sequence change replaces asparagine, which is neutral and polar, with serine, which is neutral and polar, at codon 1596 of the KIDINS220 protein (p.Asn1596Ser). This variant is not present in population databases (gnomAD no frequency). This variant has not been reported in the literature in individuals affected with KIDINS220-related conditions. ClinVar contains an entry for this variant (Variation ID: 1683706). An algorithm developed to predict the effect of missense changes on protein structure and function outputs the following: PolyPhen-2: "Benign". The serine amino acid residue is found in multiple mammalian species, which suggests that this missense change does not adversely affect protein function. In summary, the available evidence is currently insufficient to determine the role of this variant in disease. Therefore, it has been classified as a Variant of Uncertain Significance.

Laboratorio de Genetica e Diagnostico Molecular, Hospital Israelita Albert Einstein
Classification: Uncertain significance for Spastic paraplegia, intellectual disability, nystagmus, and obesity. Last evaluated: 2022-02-01. Review status: criteria provided, single submitter. Criteria: ACMG Guidelines, 2015. Collection method: clinical testing. Allele origin: germline. Affected: yes.
Comment: ACMG classification criteria: PM2 moderate, BP4 supporting